The following is an entry in ClinVar:

NM_001032283.3(TMPO):c.116A>G (p.Gln39Arg)

Genes: TMPO (thymopoietin; plus strand), TMPO-AS1 (TMPO antisense RNA 1; minus strand). Cytogenetic location: 12q23.1.
Variant type: single nucleotide variant.
Coding change: c.116A>G on transcript NM_001032283.3 (MANE Select); coding-DNA position 116, A replaced by G.
Protein change: p.Gln39Arg; replaces glutamine 39 with arginine.
Molecular consequence: missense variant.
Genome position (GRCh38, 1-based): chr12:98,515,983, A>G. VCF-style: chr12-98515983-A-G. GRCh37 (hg19) VCF-style: chr12-98909761-A-G.
Other names: c.116A>G, p.Gln39Arg (NM_001032284.3, NM_001307975.2, NM_003276.2); short protein forms Q39R.
Identifiers: ClinVar variation 1739063 (VCV001739063.2), dbSNP rs374578351, ClinGen allele CA6732105.

ClinVar aggregate classification (germline): Uncertain significance (1 of 4 stars; one submission).

Allele frequency attached by ClinVar (database versions not stated): ExAC 0.00001; ESP Exome Variant Server 0.00008.

Submission:

Ambry Genetics
Classification: Uncertain significance. Last evaluated: 2022-03-04. Review status: criteria provided, single submitter. Criteria: Ambry Variant Classification Scheme 2023. Collection method: clinical testing. Allele origin: germline.
Comment: The p.Q39R variant (also known as c.116A>G), located in coding exon 1 of the TMPO gene, results from an A to G substitution at nucleotide position 116. The glutamine at codon 39 is replaced by arginine, an amino acid with highly similar properties. This amino acid position is conserved. In addition, the in silico prediction for this alteration is inconclusive. Since supporting evidence is limited at this time, the clinical significance of this alteration remains unclear.